The following is an entry in ClinVar:

NM_001134363.3(RBM20):c.826del (p.Ala276fs)

Gene: RBM20 (RNA binding motif protein 20; plus strand). Cytogenetic location: 10q25.2.
Variant type: Deletion.
Coding change: c.826del on transcript NM_001134363.3 (MANE Select); coding-DNA position 826, one base deleted (G; older notation c.826delG).
Protein change: p.Ala276fs; shifts the reading frame from alanine 276.
Molecular consequence: frameshift variant.
Genome position (GRCh38, 1-based): chr10:110,781,435, G deleted. VCF-style (leftmost placement, unchanged base first): chr10-110781434-AG-A. GRCh37 (hg19) VCF-style: chr10-112541192-AG-A.
Other names: short protein forms A276fs.
Identifiers: ClinVar variation 4727384 (VCV004727384.1).

ClinVar aggregate classification (germline): Pathogenic (1 of 4 stars; one submission).

Conditions:
Dilated cardiomyopathy 1DD (CMD1DD). Identifiers: Orphanet 154, MedGen C2750995, MONDO:0013168, OMIM 613172.

Submission:

Labcorp Genetics (formerly Invitae), Labcorp
Classification: Pathogenic for Dilated cardiomyopathy 1DD. Last evaluated: 2026-01-13. Review status: criteria provided, single submitter. Criteria: Invitae Variant Classification Sherloc (09022015). Collection method: clinical testing. Allele origin: germline.
Comment: This sequence change creates a premature translational stop signal (p.Ala276Leufs*29) in the RBM20 gene. It is expected to result in an absent or disrupted protein product. Loss-of-function variants in RBM20 are known to be pathogenic (PMID: 20590677, 22004663, 38288598, 38510713, 40339755). This variant is not present in population databases (gnomAD no frequency). This variant has not been reported in the literature in individuals affected with RBM20-related conditions. For these reasons, this variant has been classified as Pathogenic.

Literature cited by the submitters: PubMed 20590677; PubMed 22004663; PubMed 38288598; PubMed 38510713; PubMed 40339755.